The following is an entry in ClinVar:

ClinVar aggregate classification (germline): Uncertain significance (1 of 4 stars; one submission).

Conditions:
Ataxia-telangiectasia syndrome (AT). Also called: AT, COMPLEMENTATION GROUP C; Ataxia telangiectasia (A-T); Cerebello-oculocutaneous telangiectasia; Immunodeficiency with ataxia telangiectasia; LOUIS-BAR SYNDROME; Ataxia-telangiectasia. Identifiers: Orphanet 100, MedGen C0004135, MONDO:0008840, OMIM 208900.

Submission:

Labcorp Genetics (formerly Invitae), Labcorp
Classification: Uncertain significance for Ataxia-telangiectasia syndrome. Last evaluated: 2021-09-01. Review status: criteria provided, single submitter. Criteria: Invitae Variant Classification Sherloc (09022015). Collection method: clinical testing. Allele origin: germline.
Comment: This sequence change replaces glutamine with arginine at codon 1640 of the ATM protein (p.Gln1640Arg). The glutamine residue is moderately conserved and there is a small physicochemical difference between glutamine and arginine. This variant is not present in population databases (ExAC no frequency). This variant has not been reported in the literature in individuals affected with ATM-related conditions. Algorithms developed to predict the effect of missense changes on protein structure and function (SIFT, PolyPhen-2, Align-GVGD) all suggest that this variant is likely to be tolerated. In summary, the available evidence is currently insufficient to determine the role of this variant in disease. Therefore, it has been classified as a Variant of Uncertain Significance.

NM_000051.4(ATM):c.4919A>G (p.Gln1640Arg)

Gene: ATM (ATM serine/threonine kinase; plus strand). Cytogenetic location: 11q22.3.
Variant type: single nucleotide variant.
Coding change: c.4919A>G on transcript NM_000051.4 (MANE Select); coding-DNA position 4919, A replaced by G.
Protein change: p.Gln1640Arg; replaces glutamine 1640 with arginine.
Molecular consequence: missense variant.
Genome position (GRCh38, 1-based): chr11:108,297,296, A>G. VCF-style: chr11-108297296-A-G. GRCh37 (hg19) VCF-style: chr11-108168023-A-G.
Other names: c.4919A>G, p.Gln1640Arg (NM_001351834.2); short protein forms Q1640R.
Identifiers: ClinVar variation 964183 (VCV000964183.7), dbSNP rs1555103190, ClinGen allele CA382538035.